The following is an entry in ClinVar:

ClinVar aggregate classification (germline): Uncertain significance. Review status: reviewed by expert panel (3 of 4 stars). 2 submissions from 2 submitters: Uncertain significance (1). 1 of the submissions does not count toward it. Last evaluated 2025-12-03.

Conditions:
Open-angle glaucoma. Identifiers: MedGen C0017612, MONDO:0005338, HP:0012108.

Allele frequency attached by ClinVar (database versions not stated): TOPMed 0.00006; gnomAD 0.00007; ExAC 0.00008; ESP Exome Variant Server 0.00008; 1000 Genomes Project 30x 0.00016.
gnomAD v4.1: 96 of 1,608,140 alleles (0.006%); highest among the groups gnomAD compares: Non-Finnish European, 0.0068%; no homozygotes.

Submissions (2):

ClinGen Glaucoma Variant Curation Expert Panel
Classification: Uncertain significance for Open-angle glaucoma. Last evaluated: 2025-12-03. Review status: reviewed by expert panel. Criteria: ClinGen Glaucoma ACMG Specifications V2.0.0 Approved. Collection method: curation. Allele origin: germline. Inheritance: Autosomal dominant inheritance.
Comment: The c.887G>A variant in MYOC is a missense variant predicted to cause substitution of Arginine by Histidine at amino acid 296 (p.Arg296His). The highest minor allele frequency of this variant was in the Ashkenazi Jewish genetic ancestry group of gnomAD (v4.1.0) = 0.0003082 (9 alleles out of 29,198), which did not meet the PM2_Supporting allele frequency threshold (≤ 0.0001) or the BS1 allele frequency threshold (≥ 0.001). The REVEL score = 0.622, which was neither above nor below the thresholds for PP3 (≥ 0.644) or BP4 (≤ 0.290), predicting a damaging or benign impact on MYOC function. The Arg296His protein was assessed in an assay (PMID: 36579626), however, the results of this study were inconsistent and functional evidence was not included. There was no other functional evidence predicting a damaging or benign impact of this variant on MYOC function. Although a proband with primary open angle glaucoma had been reported carrying this variant, PM2_Supporting was not met, therefore PS4 did not apply. In summary, this variant did not meet any criteria, receiving a score of 0 and a classification as a variant of uncertain significance (uncertain significance classification range -1 to 5, adapted from PMID: 32720330) for primary open angle glaucoma based on the ACMG/AMP criteria met, as specified by the ClinGen Glaucoma VCEP (v2.0.0, 5 Dec 2024): none

GeneDx
Classification: Uncertain significance. Last evaluated: 2024-10-14. Review status: criteria provided, single submitter. Criteria: GeneDx Variant Classification Process June 2021. Collection method: clinical testing. Allele origin: germline. Affected: yes. Not counted in ClinVar's aggregate classification.
Comment: In silico analysis supports that this missense variant has a deleterious effect on protein structure/function; Has not been previously published as pathogenic or benign to our knowledge in association with MYOC-related glaucoma; This variant is associated with the following publications: (PMID: 36579626, 37217093)

NM_000261.2(MYOC):c.887G>A (p.Arg296His)

Gene: MYOC (myocilin; minus strand). Cytogenetic location: 1q24.3.
Variant type: single nucleotide variant.
Coding change: c.887G>A on transcript NM_000261.2 (MANE Select); coding-DNA position 887, G replaced by A.
Protein change: p.Arg296His; replaces arginine 296 with histidine.
Molecular consequence: missense variant.
Genome position (GRCh38, 1-based): chr1:171,636,553, C>T on the plus strand (G>A on the coding strand, the complement: MYOC is on the minus strand). VCF-style: chr1-171636553-C-T. GRCh37 (hg19) VCF-style: chr1-171605693-C-T.
Other names: NM_000261.2:c.887G>A; c.887G>A (NM_000261.1); short protein forms R296H.
Identifiers: ClinVar variation 1810374 (VCV001810374.3), dbSNP rs145934417, ClinGen allele CA1244127.